The following is an entry in ClinVar:

ClinVar aggregate classification (germline): Uncertain significance (1 of 4 stars; one submission).

Allele frequency attached by ClinVar (database versions not stated): gnomAD exomes below 0.00001; ExAC 0.00001.
gnomAD v4.1: 3 of 1,613,050 alleles (0.00019%); highest among the groups gnomAD compares: Non-Finnish European, 0.00025%; no homozygotes.

Submission:

Ambry Genetics
Classification: Uncertain significance. Last evaluated: 2023-11-14. Review status: criteria provided, single submitter. Criteria: Ambry Variant Classification Scheme 2023. Collection method: clinical testing. Allele origin: germline.
Comment: The p.R1098T variant (also known as c.3293G>C), located in coding exon 2 of the MLH3 gene, results from a G to C substitution at nucleotide position 3293. The arginine at codon 1098 is replaced by threonine, an amino acid with similar properties. This amino acid position is conserved. In addition, the in silico prediction for this alteration is inconclusive. Since supporting evidence is limited at this time, the clinical significance of this alteration remains unclear.

NM_001040108.2(MLH3):c.3293G>C (p.Arg1098Thr)

Gene: MLH3 (mutL homolog 3; minus strand). Cytogenetic location: 14q24.3.
Variant type: single nucleotide variant.
Coding change: c.3293G>C on transcript NM_001040108.2 (MANE Select); coding-DNA position 3293, G replaced by C.
Protein change: p.Arg1098Thr; replaces arginine 1098 with threonine.
Molecular consequence: missense variant.
Genome position (GRCh38, 1-based): chr14:75,042,465, C>G on the plus strand (G>C on the coding strand, the complement: MLH3 is on the minus strand). VCF-style: chr14-75042465-C-G. GRCh37 (hg19) VCF-style: chr14-75509168-C-G.
Other names: c.3293G>C, p.Arg1098Thr (NM_014381.3); short protein forms R1098T.
Identifiers: ClinVar variation 3232533 (VCV003232533.1), dbSNP rs755904573, ClinGen allele CA7275542.